The following is an entry in ClinVar:

ClinVar aggregate classification (germline): Uncertain significance. Review status: criteria provided, multiple submitters, no conflicts (2 of 4 stars). 3 submissions from 3 submitters: Uncertain significance (3). Last evaluated 2025-08-31.

Conditions:
Hyperinsulinemic hypoglycemia, familial, 1 (HHF1). Also called: HYPERINSULINISM, FAMILIAL, WITH PANCREATIC NESIDIOBLASTOSIS; HYPOGLYCEMIA, HYPERINSULINEMIC, OF INFANCY; Persistent Hyperinsulinemia Hypoglycemia of Infancy; NESIDIOBLASTOSIS OF PANCREAS; Persistent hyperinsulinemic hypoglycemia of infancy. Identifiers: Orphanet 276575, Orphanet 276598, MedGen C2931832, MONDO:0009734, OMIM 256450.

Allele frequency attached by ClinVar (database versions not stated): gnomAD exomes below 0.00001; gnomAD 0.00001.
gnomAD v4.1: 5 of 1,578,646 alleles (0.00032%); highest among the groups gnomAD compares: Admixed American, 0.0018%; no homozygotes.

Submissions (3):

Labcorp Genetics (formerly Invitae), Labcorp
Classification: Uncertain significance. Last evaluated: 2025-08-31. Review status: criteria provided, single submitter. Criteria: Invitae Variant Classification Sherloc (09022015). Collection method: clinical testing. Allele origin: germline.
Comment: This sequence change replaces glycine, which is neutral and non-polar, with arginine, which is basic and polar, at codon 1375 of the ABCC8 protein (p.Gly1375Arg). The frequency data for this variant in the population databases is considered unreliable, as metrics indicate poor data quality at this position in the gnomAD database. This missense change has been observed in individuals with hyperinsulinism (PMID: 20685672, 26268944). This variant is also known as c.4126G>A, p.Gly1376Arg. ClinVar contains an entry for this variant (Variation ID: 2576196). Invitae Evidence Modeling of protein sequence and biophysical properties (such as structural, functional, and spatial information, amino acid conservation, physicochemical variation, residue mobility, and thermodynamic stability) indicates that this missense variant is expected to disrupt ABCC8 protein function with a positive predictive value of 95%. In summary, the available evidence is currently insufficient to determine the role of this variant in disease. Therefore, it has been classified as a Variant of Uncertain Significance.

Illumina Laboratory Services, Illumina
Classification: Uncertain significance for Hyperinsulinemic hypoglycemia, familial, 1. Last evaluated: 2023-10-26. Review status: criteria provided, single submitter. Criteria: ISL SNV Classification Criteria 03 February 2026. Collection method: clinical testing. Allele origin: unknown.
Comment: The ABCC8 c.4126G>A p.(Gly1376Arg) missense variant has been reported in one individual affected with focal hyperinsulinism with unknown zygosity (PMID: 20685672). This variant is reported in the Genome Aggregation Database in one allele at a frequency of 0.000034 in the Latino/Admixed American population (version 2.1.1). The Gly1376 residue is located in the ABC transported domain. Multiple lines of computational evidence suggest the variant may impact the gene or gene product. Based on the available evidence, the c.4126G>A p.(Gly1376Arg) variant is classified as a variant of uncertain significance for hyperinsulinemic hypoglycemia

Broad Center for Mendelian Genomics, Broad Institute of MIT and Harvard
Classification: Uncertain significance for Hyperinsulinemic hypoglycemia, familial, 1. Last evaluated: 2023-08-16. Review status: criteria provided, single submitter. Criteria: ACMG Guidelines, 2015. Collection method: curation. Allele origin: germline. Inheritance: Autosomal recessive inheritance.
Comment: The p.Gly1375Arg variant in ABCC8 has been previously reported in 2 individuals with hyperinsulinemic hypoglycemia (PMID: 20685672, Kapoor et al. 2010 thesis), and has been seen in 0.003% (1/29240) of Latino/Admixed American chromosomes by the Genome Aggregation Database (gnomAD; dbSNP: rs866198779). Although this variant has been seen in the general population in a heterozygous state, its frequency is low enough to be consistent with a recessive carrier frequency. Of the 2 affected individuals, 1 of those were homozygous, which increases the likelihood that the p.Gly1375Arg variant is pathogenic (Kapoor et al. 2010 thesis). Computational prediction tools and conservation analyses suggest that this variant may impact the protein, though this information is not predictive enough to determine pathogenicity. In summary, the clinical significance of the p.Gly1375Arg variant is uncertain. ACMG/AMP Criteria applied: PP3, PM2_supporting, PM3_supporting (Richards 2015).

Literature cited by the submitters: PubMed 20685672 (cited by Labcorp Genetics (formerly Invitae), Labcorp and Illumina Laboratory Services, Illumina); PubMed 26268944 (cited by Labcorp Genetics (formerly Invitae), Labcorp).

NM_000352.6(ABCC8):c.4123G>A (p.Gly1375Arg)

Gene: ABCC8 (ATP binding cassette subfamily C member 8; minus strand). Cytogenetic location: 11p15.1.
Variant type: single nucleotide variant.
Coding change: c.4123G>A on transcript NM_000352.6 (MANE Select); coding-DNA position 4123, G replaced by A.
Protein change: p.Gly1375Arg; replaces glycine 1375 with arginine.
Molecular consequence: missense variant. On other transcripts: non-coding transcript variant (1).
Genome position (GRCh38, 1-based): chr11:17,395,927, C>T on the plus strand (G>A on the coding strand, the complement: ABCC8 is on the minus strand). VCF-style: chr11-17395927-C-T. GRCh37 (hg19) VCF-style: chr11-17417474-C-T.
Other names: NM_001287174.3:c.4126G>A; c.4126G>A, p.Gly1376Arg (NM_001287174.3); c.4189G>A, p.Gly1397Arg (NM_001351295.2); c.4123G>A, p.Gly1375Arg (NM_001351296.2); c.4120G>A, p.Gly1374Arg (NM_001351297.2); short protein forms G1374R, G1375R, G1376R, G1397R.
Identifiers: ClinVar variation 2576196 (VCV002576196.2), dbSNP rs866198779, ClinGen allele CA218408270.